The following is an entry in ClinVar:

ClinVar aggregate classification (germline): Uncertain significance (1 of 4 stars; one submission).

Conditions:
Inborn genetic diseases. Identifiers: MedGen C0950123, MeSH D030342.

Submission:

Ambry Genetics
Classification: Uncertain significance for Inborn genetic diseases. Last evaluated: 2023-03-23. Review status: criteria provided, single submitter. Criteria: Ambry Variant Classification Scheme 2023. Collection method: clinical testing. Allele origin: germline.
Comment: The p.M493L variant (also known as c.1477A>C), located in coding exon 15 of the ERCC2 gene, results from an A to C substitution at nucleotide position 1477. The methionine at codon 493 is replaced by leucine, an amino acid with highly similar properties. This amino acid position is conserved. In addition, the in silico prediction for this alteration is inconclusive. Since supporting evidence is limited at this time, the clinical significance of this alteration remains unclear.

NM_000400.4(ERCC2):c.1477A>C (p.Met493Leu)

Gene: ERCC2 (ERCC excision repair 2, TFIIH core complex helicase subunit; minus strand). Cytogenetic location: 19q13.32.
Variant type: single nucleotide variant.
Coding change: c.1477A>C on transcript NM_000400.4 (MANE Select); coding-DNA position 1477, A replaced by C.
Protein change: p.Met493Leu; replaces methionine 493 with leucine.
Molecular consequence: missense variant.
Genome position (GRCh38, 1-based): chr19:45,357,272, T>G on the plus strand (A>C on the coding strand, the complement: ERCC2 is on the minus strand). VCF-style: chr19-45357272-T-G. GRCh37 (hg19) VCF-style: chr19-45860530-T-G.
Other names: short protein forms M493L.
Identifiers: ClinVar variation 2562297 (VCV002562297.2), dbSNP rs769095908, ClinGen allele CA9513283.